The following is an entry in ClinVar:

ClinVar aggregate classification (germline): Uncertain significance (1 of 4 stars; one submission).

Conditions:
Malignant hyperthermia, susceptibility to, 5 (MHS5). Also called: CACNA1S-Related Malignant Hyperthermia Susceptibility. Identifiers: Orphanet 423, MedGen C1866077, MONDO:0011163, OMIM 601887.

Submission:

All of Us Research Program, National Institutes of Health
Classification: Uncertain significance for Malignant hyperthermia, susceptibility to, 5. Last evaluated: 2023-11-20. Review status: criteria provided, single submitter. Criteria: ACMG Guidelines, 2015. Collection method: clinical testing. Allele origin: germline. Inheritance: Autosomal dominant inheritance. Observed: 1 variant allele, 1 heterozygote.
Comment: This missense variant replaces glutamine with glutamic acid at codon 490 of the CACNA1S protein. Computational prediction suggests that this variant may not impact protein structure and function (internally defined REVEL score threshold <= 0.5, PMID: 27666373). To our knowledge, functional studies have not been reported for this variant. This variant has not been reported in individuals affected with CACNA1S-related disorders in the literature. This variant has not been identified in the general population by the Genome Aggregation Database (gnomAD). The available evidence is insufficient to determine the role of this variant in disease conclusively. Therefore, this variant is classified as a Variant of Uncertain Significance.

This study involves interpretation of variants in research participants for the purpose of population health screening. Participant phenotype was not available at the time of variant classification. Additional details can be found in publication PMID: 35346344, PMCID: PMC8962531

NM_000069.3(CACNA1S):c.1468C>G (p.Gln490Glu)

Gene: CACNA1S (calcium voltage-gated channel subunit alpha1 S; minus strand). Cytogenetic location: 1q32.1.
Variant type: single nucleotide variant.
Coding change: c.1468C>G on transcript NM_000069.3 (MANE Select); coding-DNA position 1468, C replaced by G.
Protein change: p.Gln490Glu; replaces glutamine 490 with glutamic acid.
Molecular consequence: missense variant.
Genome position (GRCh38, 1-based): chr1:201,078,030, G>C on the plus strand (C>G on the coding strand, the complement: CACNA1S is on the minus strand). VCF-style: chr1-201078030-G-C. GRCh37 (hg19) VCF-style: chr1-201047158-G-C.
Other names: short protein forms Q490E.
Identifiers: ClinVar variation 3074599 (VCV003074599.1), dbSNP rs2464571486, ClinGen allele CA344122287.